The following is an entry in ClinVar:

NM_206933.4(USH2A):c.11231+1G>A

Gene: USH2A (usherin; minus strand). Cytogenetic location: 1q41.
Variant type: single nucleotide variant.
Coding change: c.11231+1G>A on transcript NM_206933.4 (MANE Select); the canonical splice donor site of the intron after coding-DNA position 11231, G replaced by A.
Molecular consequence: splice donor variant.
Genome position (GRCh38, 1-based): chr1:215,759,659, C>T on the plus strand (G>A on the coding strand, the complement: USH2A is on the minus strand). VCF-style: chr1-215759659-C-T. GRCh37 (hg19) VCF-style: chr1-215933001-C-T.
Identifiers: ClinVar variation 556214 (VCV000556214.10), dbSNP rs111033382, ClinGen allele CA10575437.

ClinVar aggregate classification (germline): Pathogenic/Likely pathogenic. Review status: criteria provided, multiple submitters, no conflicts (2 of 4 stars). 6 submissions from 5 submitters: Pathogenic (1); Likely pathogenic (4). 1 of the submissions does not count toward it. Last evaluated 2025-07-29.

Conditions:
Usher syndrome type 2A. Also called: RETINAL DISEASE IN USHER SYNDROME TYPE IIA, MODIFIER OF; USHER SYNDROME, TYPE IIA. Identifiers: Orphanet 231178, Orphanet 886, MedGen C1848634, MONDO:0010169, OMIM 276901.
USH2A-related disorder. Also called: USH2A-related disorders; USH2A-related condition. Identifiers: MedGen CN239332.
Retinitis pigmentosa 39 (RP39). Identifiers: Orphanet 791, MedGen C3151138, MONDO:0013436, OMIM 613809.

Submissions (6):

Natera, Inc.
Classification: Pathogenic for Usher syndrome type 2A. Last evaluated: 2025-07-29. Review status: criteria provided, single submitter. Criteria: Natera Variant Classification Schema (03/2026). Collection method: clinical testing. Allele origin: germline.
Comment: The c.11231+1G>A variant in USH2A is a canonical splice donor site variant predicted to affect pre-mRNA splicing, which may result in an abnormal transcript and altered protein product. This variant is expected to result in nonsense mediated decay, truncation, or a dysfunctional protein product. This variant is rare in the general population with a frequency below the threshold expected for the associated phenotype(s). This variant has been observed in one or more individuals affected with the associated recessive disease, as either homozygous or compound heterozygous with a second variant (PMID: 37322672). Given the available evidence, this variant is classified as Pathogenic.

Blueprint Genetics
Classification: Likely pathogenic for USH2A-related disorders. Last evaluated: 2024-04-20. Review status: criteria provided, single submitter. Criteria: ACMG Guidelines, 2015. Collection method: clinical testing. Allele origin: germline. Affected: yes. Observed: 1 variant allele.

Genome-Nilou Lab
Classification: Likely pathogenic for Retinitis pigmentosa 39. Last evaluated: 2023-04-11. Review status: criteria provided, single submitter. Criteria: ACMG Guidelines, 2015. Collection method: clinical testing. Allele origin: germline. Affected: no.

Genome-Nilou Lab
Classification: Likely pathogenic for Usher syndrome type 2A. Last evaluated: 2023-04-11. Review status: criteria provided, single submitter. Criteria: ACMG Guidelines, 2015. Collection method: clinical testing. Allele origin: germline. Affected: no.

Labcorp Genetics (formerly Invitae), Labcorp
Classification: Likely pathogenic. Last evaluated: 2022-09-05. Review status: criteria provided, single submitter. Criteria: Invitae Variant Classification Sherloc (09022015). Collection method: clinical testing. Allele origin: germline.
Comment: This variant is not present in population databases (gnomAD no frequency). This variant has not been reported in the literature in individuals affected with USH2A-related conditions. ClinVar contains an entry for this variant (Variation ID: 556214). Algorithms developed to predict the effect of sequence changes on RNA splicing suggest that this variant may disrupt the consensus splice site. In summary, the currently available evidence indicates that the variant is pathogenic, but additional data are needed to prove that conclusively. Therefore, this variant has been classified as Likely Pathogenic. This sequence change affects a donor splice site in intron 57 of the USH2A gene. It is expected to disrupt RNA splicing. Variants that disrupt the donor or acceptor splice site typically lead to a loss of protein function (PMID: 16199547), and loss-of-function variants in USH2A are known to be pathogenic (PMID: 10729113, 10909849, 20507924, 25649381).

Counsyl
Classification: Likely pathogenic for Usher syndrome type 2A; Retinitis pigmentosa 39. Last evaluated: 2018-01-18. Review status: no assertion criteria provided. Collection method: clinical testing. Allele origin: unknown. Not counted in ClinVar's aggregate classification.

Literature cited by the submitters: PubMed 37322672 (cited by Natera, Inc.); PubMed 16199547 (cited by Labcorp Genetics (formerly Invitae), Labcorp); PubMed 10729113 (cited by Labcorp Genetics (formerly Invitae), Labcorp); PubMed 10909849 (cited by Labcorp Genetics (formerly Invitae), Labcorp); PubMed 20507924 (cited by Labcorp Genetics (formerly Invitae), Labcorp); PubMed 25649381 (cited by Labcorp Genetics (formerly Invitae), Labcorp).